The following is an entry in ClinVar:

NM_017946.4(FKBP14):c.206dup (p.His69fs)

Genes: FKBP14 (FKBP prolyl isomerase 14; minus strand), FKBP14-AS1 (FKBP14 antisense RNA 1; plus strand). Cytogenetic location: 7p14.3.
Variant type: Duplication.
Coding change: c.206dup on transcript NM_017946.4 (MANE Select); coding-DNA position 206, one base duplicated (A; older notation c.206dupA).
Protein change: p.His69fs; shifts the reading frame from histidine 69.
Molecular consequence: frameshift variant. On other transcripts: non-coding transcript variant (1).
Genome position (GRCh38, 1-based): chr7:30,022,808, T duplicated on the plus strand (A on the coding strand, the reverse complement: FKBP14 is on the minus strand). VCF-style (leftmost placement, unchanged base first): chr7-30022807-A-AT. GRCh37 (hg19) VCF-style: chr7-30062423-A-AT.
Other names: short protein forms H69fs.
Identifiers: ClinVar variation 1433477 (VCV001433477.6), dbSNP rs2127949580, ClinGen allele CA2573142048.
Genomic context (GRCh38, chr7:30,022,807, plus strand): 5'-GTCCCAACCTTTGAGAGCCTCCAGGATGCCCAGGGTAAACCAAATGGGCTGACCATTGTT[A>AT]TGTTTGTGACTATGATAGAAATAAAACACATTAGAACTCCTTATTAACTCTAAAAAATTT-3'

ClinVar aggregate classification (germline): Pathogenic (1 of 4 stars; one submission).

Conditions:
Ehlers-Danlos syndrome, kyphoscoliotic type, 2. Also called: Ehlers-Danlos syndrome, kyphoscoliotic and deafness type; FKBP14-Kyphoscoliotic Ehlers-Danlos Syndrome; Ehlers-Danlos syndrome with progressive kyphoscoliosis, myopathy, and hearing loss. Identifiers: Orphanet 300179, MedGen C3281160, MONDO:0013800, OMIM 614557.

Allele frequency attached by ClinVar (database versions not stated): gnomAD exomes below 0.00001.

Submission:

Labcorp Genetics (formerly Invitae), Labcorp
Classification: Pathogenic for Ehlers-Danlos syndrome, kyphoscoliotic type, 2. Last evaluated: 2021-04-14. Review status: criteria provided, single submitter. Criteria: Invitae Variant Classification Sherloc (09022015). Collection method: clinical testing. Allele origin: germline.
Comment: This sequence change creates a premature translational stop signal (p.His69Glnfs*2) in the FKBP14 gene. It is expected to result in an absent or disrupted protein product. Loss-of-function variants in FKBP14 are known to be pathogenic (PMID: 22265013). For these reasons, this variant has been classified as Pathogenic. This variant has not been reported in the literature in individuals with FKBP14-related conditions. This variant is not present in population databases (ExAC no frequency).

Literature cited by the submitters: PubMed 22265013.